The following is an entry in ClinVar:

NM_002474.3(MYH11):c.4579-14C>T

Genes: MYH11 (myosin heavy chain 11; minus strand), NDE1 (nudE neurodevelopment protein 1; plus strand). Cytogenetic location: 16p13.11.
Variant type: single nucleotide variant.
Coding change: c.4579-14C>T on transcript NM_002474.3 (MANE Select); 14 bases into the intron before coding-DNA position 4579, C replaced by T.
Molecular consequence: intron variant.
Genome position (GRCh38, 1-based): chr16:15,721,065, G>A on the plus strand (C>T on the coding strand, the complement: MYH11 is on the minus strand). VCF-style: chr16-15721065-G-A. GRCh37 (hg19) VCF-style: chr16-15814922-G-A.
Other names: c.948-3126G>A (NM_001143979.2, NM_017668.3); c.4579-14C>T (NM_022844.3); c.4600-14C>T (NM_001040114.2, NM_001040113.2).
Identifiers: ClinVar variation 516342 (VCV000516342.23), dbSNP rs377410503, ClinGen allele CA7921619.

ClinVar aggregate classification (germline): Conflicting classifications of pathogenicity. Review status: criteria provided, conflicting classifications (1 of 4 stars). 8 submissions from 7 submitters: Uncertain significance (2); Benign (1); Likely benign (5). Last evaluated 2026-01-27.

Conditions:
Familial thoracic aortic aneurysm and aortic dissection (TAAD). Also called: Thoracic aortic aneurysms and dissections. Identifiers: Orphanet 91387, MedGen C4707243, MONDO:0019625.
Aortic aneurysm, familial thoracic 4 (AAT4). Also called: AORTIC ANEURYSM/AORTIC DISSECTION AND PATENT DUCTUS ARTERIOSUS. Identifiers: MedGen C1851504, MONDO:0007568, OMIM 132900.
Connective tissue disorder. Also called: Connective tissue disease. Identifiers: MedGen C0009782, MONDO:0003900.

Allele frequency attached by ClinVar (database versions not stated): gnomAD 0.00005 and 0.00006; gnomAD exomes 0.00007 and 0.00011; ESP Exome Variant Server 0.00008; TOPMed 0.00008; ExAC 0.00012.
gnomAD v4.1: 110 of 1,612,870 alleles (0.0068%); highest among the groups gnomAD compares: Middle Eastern, 0.033%; no homozygotes.

Submissions (8):

Labcorp Genetics (formerly Invitae), Labcorp
Classification: Likely benign for Aortic aneurysm, familial thoracic 4. Last evaluated: 2026-01-27. Review status: criteria provided, single submitter. Criteria: Invitae Variant Classification Sherloc (09022015). Collection method: clinical testing. Allele origin: germline.

Blueprint Genetics
Classification: Likely benign. Last evaluated: 2024-10-23. Review status: criteria provided, single submitter. Criteria: ACMG Guidelines, 2015. Collection method: clinical testing. Allele origin: germline.

ARUP Laboratories, Molecular Genetics and Genomics, ARUP Laboratories
Classification: Likely benign. Last evaluated: 2019-09-20. Review status: criteria provided, single submitter. Criteria: ARUP Molecular Germline Variant Investigation Process. Collection method: clinical testing. Allele origin: germline.

Color Diagnostics, LLC DBA Color Health
Classification: Likely benign for Familial thoracic aortic aneurysm and aortic dissection. Last evaluated: 2018-11-14. Review status: criteria provided, single submitter. Criteria: ACMG Guidelines, 2015. Collection method: clinical testing. Allele origin: germline.

Center for Human Genetics, Inc
Classification: Likely benign for Connective tissue disorder. Last evaluated: 2018-06-01. Review status: criteria provided, single submitter. Criteria: ACMG Guidelines, 2015. Collection method: clinical testing. Allele origin: germline. Affected: yes.

Illumina Laboratory Services, Illumina
Classification: Uncertain significance for Aortic aneurysm, familial thoracic 4. Last evaluated: 2018-01-12. Review status: criteria provided, single submitter. Criteria: ICSL Variant Classification Criteria 13 December 2019. Collection method: clinical testing. Allele origin: germline.

GeneDx
Classification: Benign. Last evaluated: 2017-07-13. Review status: criteria provided, single submitter. Criteria: GeneDx Variant Classification (06012015). Collection method: clinical testing. Allele origin: germline. Affected: yes.
Comment: This variant is considered likely benign or benign based on one or more of the following criteria: it is a conservative change, it occurs at a poorly conserved position in the protein, it is predicted to be benign by multiple in silico algorithms, and/or has population frequency not consistent with disease.

Center for Human Genetics, Inc
Classification: Uncertain significance for Aortic aneurysm, familial thoracic 4. Last evaluated: 2016-11-01. Review status: criteria provided, single submitter. Criteria: ACMG Guidelines, 2015. Collection method: clinical testing. Allele origin: germline. Affected: yes.